The following is an entry in ClinVar:

NM_014314.4(RIGI):c.52A>G (p.Lys18Glu)

Genes: RIGI (RNA sensor RIG-I; minus strand), LOC130001628 (ATAC-STARR-seq lymphoblastoid active region 28262; plus strand). Cytogenetic location: 9p21.1.
Variant type: single nucleotide variant.
Coding change: c.52A>G on transcript NM_014314.4 (MANE Select); coding-DNA position 52, A replaced by G.
Protein change: p.Lys18Glu; replaces lysine 18 with glutamic acid.
Molecular consequence: missense variant. On other transcripts: 5 prime UTR variant (3).
Genome position (GRCh38, 1-based): chr9:32,526,115, T>C on the plus strand (A>G on the coding strand, the complement: RIGI is on the minus strand). VCF-style: chr9-32526115-T-C. GRCh37 (hg19) VCF-style: chr9-32526113-T-C.
Other names: c.52A>G, p.Lys18Glu (NM_001385909.1, NM_001385913.1, NM_001385907.1); c.-403A>G (NM_001385910.1, NM_001385914.1); c.-410A>G (NM_001385912.1); short protein forms K18E.
Identifiers: ClinVar variation 3661855 (VCV003661855.2).

ClinVar aggregate classification (germline): Uncertain significance (1 of 4 stars; one submission).

gnomAD v4.1: 3 of 1,613,708 alleles (0.00019%); highest among the groups gnomAD compares: Non-Finnish European, 0.00025%; no homozygotes.

Submission:

Labcorp Genetics (formerly Invitae), Labcorp
Classification: Uncertain significance. Last evaluated: 2024-08-09. Review status: criteria provided, single submitter. Criteria: Invitae Variant Classification Sherloc (09022015). Collection method: clinical testing. Allele origin: germline.
Comment: This sequence change replaces lysine, which is basic and polar, with glutamic acid, which is acidic and polar, at codon 18 of the DDX58 protein (p.Lys18Glu). This variant is present in population databases (rs764605729, gnomAD 0.0009%). This variant has not been reported in the literature in individuals affected with DDX58-related conditions. An algorithm developed to predict the effect of missense changes on protein structure and function (PolyPhen-2) suggests that this variant is likely to be tolerated. In summary, the available evidence is currently insufficient to determine the role of this variant in disease. Therefore, it has been classified as a Variant of Uncertain Significance.